The following is an entry in ClinVar:

ClinVar aggregate classification (germline): Likely pathogenic (1 of 4 stars; one submission).

Conditions:
PIK3CA related overgrowth syndrome. Also called: PIK3CA related overgrowth spectrum; PIK3CA-Related Segmental Overgrowth. Identifiers: Orphanet 530313, MedGen C4728213, MONDO:1040002.

Submission:

Clinical Genomics Laboratory, Washington University in St. Louis
Classification: Likely pathogenic for PIK3CA-related overgrowth syndrome. Last evaluated: 2024-08-07. Review status: criteria provided, single submitter. Criteria: Leon-Quintero et al. (Clin Genet. 2025). Collection method: clinical testing. Allele origin: somatic. Affected: yes.
Comment: A PIK3CA c.1037T>G (p.Val346Gly) variant was identified at an allelic fraction consistent with somatic origin. This variant has been reported in a patient with PIK3CA-Related Overgrowth spectrum (PROS) (McNulty SN et al., PMID: 31585106) and in one cancer case of the large intestine in the database COSMIC (COSV55912324). It is absent from the general population (gnomAD v.4.1.0), indicating it is not a common variant. The PIK3CA c.1037T>G (p.Val346Gly) variant, resides within a region, the C2 domain, of PIK3CA that is defined as a critical functional domain (Lai A et al., PMID: 35997716). The PIK3CA gene is defined by the ClinGen Brain Malformations expert panel as a gene that has a low rate of benign missense variation and where pathogenic missense variants are a common mechanism of disease (Lai A et al., PMID: 35997716). Based on available information and an internally developed protocol informed by the ACMG/AMP guidelines for variant interpretation and gene-specific practices from the ClinGen Criteria Specification Registry (Leon-Quintero FZ et al., PMID: 39434542) variant is classified as likely pathogenic.

NM_006218.4(PIK3CA):c.1037T>G (p.Val346Gly)

Gene: PIK3CA (phosphatidylinositol-4,5-bisphosphate 3-kinase catalytic subunit alpha; plus strand). Cytogenetic location: 3q26.32.
Variant type: single nucleotide variant.
Coding change: c.1037T>G on transcript NM_006218.4 (MANE Select); coding-DNA position 1037, T replaced by G.
Protein change: p.Val346Gly; replaces valine 346 with glycine.
Molecular consequence: missense variant.
Genome position (GRCh38, 1-based): chr3:179,203,767, T>G. VCF-style: chr3-179203767-T-G. GRCh37 (hg19) VCF-style: chr3-178921555-T-G.
Other names: short protein forms V346G.
Identifiers: ClinVar variation 3774496 (VCV003774496.1).